The following is an entry in ClinVar:

ClinVar aggregate classification (germline): Uncertain significance (1 of 4 stars; one submission).

Conditions:
Autosomal dominant nocturnal frontal lobe epilepsy 5. Also called: KCNT1-Related Epilepsy; CILIARY DYSKINESIA, PRIMARY, 28, WITHOUT SITUS INVERSUS; CILIARY DYSKINESIA, PRIMARY, 28, WITH SITUS INVERSUS; Epilepsy, nocturnal frontal lobe, 5. Identifiers: Orphanet 98784, MedGen C3554306, MONDO:0014002, OMIM 615005.
Developmental and epileptic encephalopathy, 14 (DEE14). Also called: Early infantile epileptic encephalopathy 14. Identifiers: Orphanet 293181, MedGen C3554195, MONDO:0013989, OMIM 614959.

Submission:

Labcorp Genetics (formerly Invitae), Labcorp
Classification: Uncertain significance for Autosomal dominant nocturnal frontal lobe epilepsy 5; Developmental and epileptic encephalopathy, 14. Last evaluated: 2024-08-14. Review status: criteria provided, single submitter. Criteria: Invitae Variant Classification Sherloc (09022015). Collection method: clinical testing. Allele origin: germline.
Comment: This sequence change creates a premature translational stop signal (p.Tyr1179*) in the KCNT1 gene. It is expected to result in an absent or disrupted protein product. However, the current clinical and genetic evidence is not sufficient to establish whether loss-of-function variants in KCNT1 cause disease. This variant is not present in population databases (gnomAD no frequency). This variant has not been reported in the literature in individuals affected with KCNT1-related conditions. In summary, the available evidence is currently insufficient to determine the role of this variant in disease. Therefore, it has been classified as a Variant of Uncertain Significance.

NM_020822.3(KCNT1):c.3537_3543del (p.Ser1178_Tyr1179insTer)

Gene: KCNT1 (potassium sodium-activated channel subfamily T member 1; plus strand). Cytogenetic location: 9q34.3.
Variant type: Deletion.
Coding change: c.3537_3543del on transcript NM_020822.3 (MANE Select); coding-DNA positions 3537 to 3543, 7 bases deleted (CGTCCTC; older notation c.3537_3543delCGTCCTC).
Protein change: p.Ser1178_Tyr1179insTer.
Molecular consequence: nonsense.
Genome position (GRCh38, 1-based): chr9:135,791,831-135,791,837, CGTCCTC deleted. VCF-style (leftmost placement, unchanged base first): chr9-135791830-ACGTCCTC-A. GRCh37 (hg19) VCF-style: chr9-138683676-ACGTCCTC-A.
Other names: c.3465_3471del, p.Ser1154_Tyr1155insTer (NM_001272003.2).
Identifiers: ClinVar variation 3757667 (VCV003757667.2).